The following is an entry in ClinVar:

NM_000316.3(PTH1R):c.823G>C (p.Ala275Pro)

Gene: PTH1R (parathyroid hormone 1 receptor; plus strand). Cytogenetic location: 3p21.31.
Variant type: single nucleotide variant.
Coding change: c.823G>C on transcript NM_000316.3 (MANE Select); coding-DNA position 823, G replaced by C.
Protein change: p.Ala275Pro; replaces alanine 275 with proline.
Molecular consequence: missense variant.
Genome position (GRCh38, 1-based): chr3:46,898,846, G>C. VCF-style: chr3-46898846-G-C. GRCh37 (hg19) VCF-style: chr3-46940336-G-C.
Other names: c.823G>C, p.Ala275Pro (NM_001184744.1); short protein forms A275P.
Identifiers: ClinVar variation 1704718 (VCV001704718.2), dbSNP rs754279933, ClinGen allele CA352497586.
Genomic context (GRCh38, chr3:46,898,846, plus strand): 5'-CGCCTCACCGAGGAGGAGCTGCGCGCCATCGCCCAGGCGCCCCCGCCGCCTGCCACCGCC[G>C]CTGCCGGCTACGTGAGTACCCCTCTGCCCGCCCGCTCCCGGTGCCGCCACTGGCCTCGTG-3'
Protein context (NP_000307.1, residues 265-285): AQAPPPPATA[Ala275Pro]AGYAGCRVAV

ClinVar aggregate classification (germline): Uncertain significance (1 of 4 stars; one submission).

Submission:

GeneDx
Classification: Uncertain significance. Last evaluated: 2022-03-07. Review status: criteria provided, single submitter. Criteria: GeneDx Variant Classification Process June 2021. Collection method: clinical testing. Allele origin: germline. Affected: yes.
Comment: Not observed at significant frequency in large population cohorts (gnomAD); In silico analysis supports that this missense variant does not alter protein structure/function; Has not been previously published as pathogenic or benign to our knowledge